The following is an entry in ClinVar:

ClinVar aggregate classification (germline): Conflicting classifications of pathogenicity. Review status: criteria provided, conflicting classifications (1 of 4 stars). 11 submissions from 11 submitters: Uncertain significance (3); Likely benign (4). 4 of the submissions do not count toward it. Last evaluated 2026-01-28.

Conditions:
BIVM-ERCC5-related disorder. Also called: BIVM-ERCC5-related condition.
Cerebrooculofacioskeletal syndrome 3 (COFS3). Identifiers: MedGen C1851443, MONDO:0014696, OMIM 616570.
Hereditary cancer-predisposing syndrome. Also called: Tumor predisposition; Hereditary neoplastic syndrome; Neoplastic Syndromes, Hereditary; Hereditary Cancer Syndrome. Identifiers: Orphanet 140162, MedGen C0027672, MeSH D009386, MONDO:0015356.
Xeroderma pigmentosum, group G (XPG). Also called: XERODERMA PIGMENTOSUM VII; XP, GROUP G; Xeroderma pigmentosum type 7; ERCC5-Related Xeroderma Pigmentosum. Identifiers: MedGen C0268141, MONDO:0010216, OMIM 278780.

Allele frequency attached by ClinVar (database versions not stated): 1000 Genomes Project 0.00060; 1000 Genomes Project 30x 0.00078; gnomAD exomes 0.00134; ExAC 0.00141; TOPMed 0.00150; gnomAD 0.00153 and 0.00158; ESP Exome Variant Server 0.00246.
gnomAD v4.1: 3,270 of 1,614,238 alleles (0.2%); highest among the groups gnomAD compares: Non-Finnish European, 0.26%; 6 homozygotes.

Submissions (11):

Labcorp Genetics (formerly Invitae), Labcorp
Classification: Likely benign. Last evaluated: 2026-01-28. Review status: criteria provided, single submitter. Criteria: Invitae Variant Classification Sherloc (09022015). Collection method: clinical testing. Allele origin: germline.

CeGaT Center for Human Genetics Tuebingen
Classification: Likely benign. Last evaluated: 2026-01-01. Review status: criteria provided, single submitter. Criteria: CeGaT Center For Human Genetics Tuebingen Variant Classification Criteria Version 2. Collection method: clinical testing. Allele origin: germline. Affected: yes. Observed: 3 variant alleles.
Comment: ERCC5: BP4

Institute for Clinical Genetics, University Hospital TU Dresden, University Hospital TU Dresden
Classification: Uncertain significance. Last evaluated: 2021-11-03. Review status: criteria provided, single submitter. Criteria: ACMG Guidelines, 2015. Collection method: clinical testing. Allele origin: germline.

Sema4
Classification: Likely benign for Hereditary cancer-predisposing syndrome. Last evaluated: 2020-09-14. Review status: criteria provided, single submitter. Criteria: Sema4 Curation Guidelines. Collection method: curation. Allele origin: germline.

Baylor Genetics
Classification: Uncertain significance for Cerebrooculofacioskeletal syndrome 3. Last evaluated: 2019-09-25. Review status: criteria provided, single submitter. Criteria: ACMG Guidelines, 2015. Collection method: clinical testing. Allele origin: unknown. Affected: yes. Study: CSER-TexasKidsCanSeq.
Comment: This variant was determined to be of uncertain significance according to ACMG Guidelines, 2015 [PMID:25741868].

Illumina Laboratory Services, Illumina
Classification: Uncertain significance for Xeroderma pigmentosum, group G. Last evaluated: 2017-04-27. Review status: criteria provided, single submitter. Criteria: ICSL Variant Classification Criteria 13 December 2019. Collection method: clinical testing. Allele origin: germline.

Clinical Genetics DNA and cytogenetics Diagnostics Lab, Erasmus MC, Erasmus Medical Center
Classification: Likely benign for Xeroderma pigmentosum, group G. Last evaluated: 2015-09-21. Review status: criteria provided, single submitter. Criteria: ACGS Guidelines, 2013. Collection method: clinical testing. Allele origin: germline. Affected: yes. Study: VKGL Data-share Consensus.

PreventionGenetics, part of Exact Sciences
Classification: Likely benign for BIVM-ERCC5-related condition. Last evaluated: 2022-09-30. Review status: no assertion criteria provided. Collection method: clinical testing. Allele origin: germline. Not counted in ClinVar's aggregate classification.
Comment: This variant is classified as likely benign based on ACMG/AMP sequence variant interpretation guidelines (Richards et al. 2015 PMID: 25741868, with internal and published modifications).

Genome Diagnostics Laboratory, Amsterdam University Medical Center
Classification: Likely benign for Xeroderma pigmentosum, group G. Last evaluated: 2016-04-29. Review status: no assertion criteria provided. Criteria: ACGS Guidelines, 2013. Collection method: clinical testing. Allele origin: germline. Affected: yes. Study: VKGL Data-share Consensus. Not counted in ClinVar's aggregate classification.

ITMI
No classification provided. Condition: AllHighlyPenetrant. Last evaluated: 2013-09-19. Review status: no classification provided. Collection method: reference population. Allele origin: germline. Not counted in ClinVar's aggregate classification.
Comment: Please see associated publication for description of ethnicities

Department of Pathology and Laboratory Medicine, Sinai Health System
Classification: Likely benign. Review status: no assertion criteria provided. Collection method: clinical testing. Allele origin: unknown. Affected: yes. Study: The Canadian Open Genetics Repository (COGR). Not counted in ClinVar's aggregate classification.
Comment: The ERCC5 p.Val597Leu variant was not identified in the literature nor was it identified in Cosmic. The variant was identified in dbSNP (ID: rs4150319), ClinVar (classified as likely benign by DNA and Cytogenetics Diagnostics Unit, Erasmus Medical Center and Genome Diagnostics Laboratory, VU University Medical Center Amsterdam), and LOVD 3.0. The variant was identified in control databases in 348 of 268224 chromosomes at a frequency of 0.001297 increasing the likelihood this could be a low frequency benign variant (Genome Aggregation Database March 6, 2019, v2.1.1). The variant was observed in the following populations: European (non-Finnish) in 285 of 118064 chromosomes (freq: 0.002414), European (Finnish) in 30 of 25106 chromosomes (freq: 0.001195), Other in 6 of 6702 chromosomes (freq: 0.000895), Latino in 22 of 35104 chromosomes (freq: 0.000627), African in 4 of 23616 chromosomes (freq: 0.000169) and South Asian in 1 of 30526 chromosomes (freq: 0.000033), but was not observed in the Ashkenazi Jewish or East Asian populations. The p.Val597 residue is not conserved in mammals and computational analyses (PolyPhen-2, SIFT, AlignGVGD, BLOSUM, MutationTaster) do not suggest a high likelihood of impact to the protein; however, this information is not predictive enough to rule out pathogenicity. The variant occurs outside of the splicing consensus sequence and in silico or computational prediction software programs (SpliceSiteFinder, MaxEntScan, NNSPLICE, GeneSplicer) do not predict a difference in splicing. In summary, based on the above information the clinical significance of this variant cannot be determined with certainty at this time although we would lean towards a more benign role for this variant. This variant is classified as likely benign.

Literature cited by the submitters: PubMed 24728327 (cited by ITMI).

NM_000123.4(ERCC5):c.1789G>C (p.Val597Leu)

Genes: BIVM-ERCC5 (BIVM-ERCC5 readthrough; plus strand), ERCC5 (ERCC excision repair 5, endonuclease; plus strand). Cytogenetic location: 13q33.1.
Variant type: single nucleotide variant.
Coding change: c.1789G>C on transcript NM_000123.4 (MANE Select); coding-DNA position 1789, G replaced by C.
Protein change: p.Val597Leu; replaces valine 597 with leucine.
Molecular consequence: missense variant.
Genome position (GRCh38, 1-based): chr13:102,862,938, G>C. VCF-style: chr13-102862938-G-C. GRCh37 (hg19) VCF-style: chr13-103515288-G-C.
Other names: c.3151G>C, p.Val1051Leu (NM_001204425.2); short protein forms V597L, V1051L.
Identifiers: ClinVar variation 134195 (VCV000134195.63), dbSNP rs4150319, ClinGen allele CA159081.
Genomic context (GRCh38, chr13:102,862,938, plus strand): 5'-GTCATTGGCCCTGTCAGTTTGCAAGAAACAAGTAGCATAGTAAGTGTCCCTTCAGAGGCA[G>C]TAGATAATGTGGAAAATGTGGTGTCATTTAATGCTAAAGAGCATGAGAATTTTCTGGAAA-3'
Protein context (NP_000114.3, residues 587-607): SSIVSVPSEA[Val597Leu]DNVENVVSFN